The following is an entry in ClinVar:

NM_022463.5(NXN):c.130G>A (p.Ala44Thr)

Gene: NXN (nucleoredoxin; minus strand). Cytogenetic location: 17p13.3.
Variant type: single nucleotide variant.
Coding change: c.130G>A on transcript NM_022463.5 (MANE Select); coding-DNA position 130, G replaced by A.
Protein change: p.Ala44Thr; replaces alanine 44 with threonine.
Molecular consequence: missense variant.
Genome position (GRCh38, 1-based): chr17:979,549, C>T on the plus strand (G>A on the coding strand, the complement: NXN is on the minus strand). VCF-style: chr17-979549-C-T. GRCh37 (hg19) VCF-style: chr17-882789-C-T.
Other names: short protein forms A44T.
Identifiers: ClinVar variation 2417366 (VCV002417366.6), dbSNP rs1266671330, ClinGen allele CA397511802.

ClinVar aggregate classification (germline): Uncertain significance (1 of 4 stars; one submission).

Allele frequency attached by ClinVar (database versions not stated): gnomAD 0.00001.

Submission:

Labcorp Genetics (formerly Invitae), Labcorp
Classification: Uncertain significance. Last evaluated: 2024-02-23. Review status: criteria provided, single submitter. Criteria: Invitae Variant Classification Sherloc (09022015). Collection method: clinical testing. Allele origin: germline.
Comment: This sequence change replaces alanine, which is neutral and non-polar, with threonine, which is neutral and polar, at codon 44 of the NXN protein (p.Ala44Thr). The frequency data for this variant in the population databases is considered unreliable, as metrics indicate poor data quality at this position in the gnomAD database. This variant has not been reported in the literature in individuals affected with NXN-related conditions. ClinVar contains an entry for this variant (Variation ID: 2417366). An algorithm developed to predict the effect of missense changes on protein structure and function (PolyPhen-2) suggests that this variant is likely to be tolerated. In summary, the available evidence is currently insufficient to determine the role of this variant in disease. Therefore, it has been classified as a Variant of Uncertain Significance.